The following is an entry in ClinVar:

ClinVar aggregate classification (germline): Pathogenic (1 of 4 stars; one submission).

Submission:

Labcorp Genetics (formerly Invitae), Labcorp
Classification: Pathogenic. Last evaluated: 2022-07-15. Review status: criteria provided, single submitter. Criteria: Invitae Variant Classification Sherloc (09022015). Collection method: clinical testing. Allele origin: germline.
Comment: Algorithms developed to predict the effect of sequence changes on RNA splicing suggest that this variant may disrupt the consensus splice site. This variant has not been reported in the literature in individuals affected with MYO7A-related conditions. For these reasons, this variant has been classified as Pathogenic. This sequence change creates a premature translational stop signal (p.Ala53Argfs*20) in the MYO7A gene. It is expected to result in an absent or disrupted protein product. Loss-of-function variants in MYO7A are known to be pathogenic (PMID: 8900236, 25404053). This variant is not present in population databases (gnomAD no frequency).

Literature cited by the submitters: PubMed 8900236; PubMed 25404053.

NM_000260.4(MYO7A):c.152_156dup (p.Ala53fs)

Gene: MYO7A (myosin VIIA; plus strand). Cytogenetic location: 11q13.5.
Variant type: Duplication.
Coding change: c.152_156dup on transcript NM_000260.4 (MANE Select); coding-DNA positions 152 to 156, 5 bases duplicated (AGAAC; older notation c.152_156dupAGAAC).
Protein change: p.Ala53fs; shifts the reading frame from alanine 53.
Molecular consequence: frameshift variant.
Genome position (GRCh38, 1-based): chr11:77,147,817-77,147,821, AGAAC duplicated; duplicating any 5 consecutive bases within chr11:77,147,816-77,147,821 gives the same sequence; the c. name uses the placement nearest the transcript's 3' end. VCF-style (leftmost placement, unchanged base first): chr11-77147815-G-GCAGAA. GRCh37 (hg19) VCF-style: chr11-76858861-G-GCAGAA.
Other names: c.152_156dup, p.Ala53fs (NM_001127180.2); c.119_123dup, p.Ala42fs (NM_001369365.1); short protein forms A42fs, A53fs.
Identifiers: ClinVar variation 2017541 (VCV002017541.4), dbSNP rs2496573808, ClinGen allele CA2580084908.